The following is an entry in ClinVar:

ClinVar aggregate classification (germline): Uncertain significance. Review status: criteria provided, multiple submitters, no conflicts (2 of 4 stars). 2 submissions from 2 submitters: Uncertain significance (2). Last evaluated 2025-01-14.

Conditions:
Cardiovascular phenotype. Identifiers: MedGen CN230736.
Primary dilated cardiomyopathy (DCM). Also called: Dilated Cardiomyopathy. Identifiers: Orphanet 217604, MedGen C0007193, MeSH D002311, MONDO:0005021, HP:0001644. Inheritance: Various modes of inheritance.

Allele frequency attached by ClinVar (database versions not stated): gnomAD 0.00001; gnomAD exomes 0.00001; TOPMed 0.00001.
gnomAD v4.1: 12 of 1,484,778 alleles (0.00081%); highest among the groups gnomAD compares: Non-Finnish European, 0.0011%; no homozygotes.

Submissions (2):

Labcorp Genetics (formerly Invitae), Labcorp
Classification: Uncertain significance for Primary dilated cardiomyopathy. Last evaluated: 2025-01-14. Review status: criteria provided, single submitter. Criteria: Invitae Variant Classification Sherloc (09022015). Collection method: clinical testing. Allele origin: germline.
Comment: This sequence change replaces alanine, which is neutral and non-polar, with serine, which is neutral and polar, at codon 30 of the TXNRD2 protein (p.Ala30Ser). This variant is present in population databases (no rsID available, gnomAD 0.002%). This variant has not been reported in the literature in individuals affected with TXNRD2-related conditions. ClinVar contains an entry for this variant (Variation ID: 577326). An algorithm developed to predict the effect of missense changes on protein structure and function (PolyPhen-2) suggests that this variant is likely to be tolerated. In summary, the available evidence is currently insufficient to determine the role of this variant in disease. Therefore, it has been classified as a Variant of Uncertain Significance.

Ambry Genetics
Classification: Uncertain significance for Cardiovascular phenotype. Last evaluated: 2024-04-20. Review status: criteria provided, single submitter. Criteria: Ambry Variant Classification Scheme 2023. Collection method: clinical testing. Allele origin: germline.
Comment: The p.A30S variant (also known as c.88G>T), located in coding exon 1 of the TXNRD2 gene, results from a G to T substitution at nucleotide position 88. The alanine at codon 30 is replaced by serine, an amino acid with similar properties. This amino acid position is conserved. In addition, this alteration is predicted to be tolerated by in silico analysis. Based on the available evidence, the clinical significance of this variant remains unclear.

NM_006440.5(TXNRD2):c.88G>T (p.Ala30Ser)

Genes: TXNRD2 (thioredoxin reductase 2; minus strand), LOC130066960 (ATAC-STARR-seq lymphoblastoid silent region 13467; plus strand). Cytogenetic location: 22q11.21.
Variant type: single nucleotide variant.
Coding change: c.88G>T on transcript NM_006440.5 (MANE Select); coding-DNA position 88, G replaced by T.
Protein change: p.Ala30Ser; replaces alanine 30 with serine.
Molecular consequence: missense variant. On other transcripts: non-coding transcript variant (1).
Genome position (GRCh38, 1-based): chr22:19,941,716, C>A on the plus strand (G>T on the coding strand, the complement: TXNRD2 is on the minus strand). VCF-style: chr22-19941716-C-A. GRCh37 (hg19) VCF-style: chr22-19929239-C-A.
Other names: c.88G>T, p.Ala30Ser (NM_001282512.3, NM_001352300.2); c.88G>T (NM_006440.3); short protein forms A30S.
Identifiers: ClinVar variation 577326 (VCV000577326.13), dbSNP rs1315091228, ClinGen allele CA410700012.